The following is an entry in ClinVar:

NM_001199138.2(NLRC4):c.104G>A (p.Arg35His)

Gene: NLRC4 (NLR family CARD domain containing 4; minus strand). Cytogenetic location: 2p22.3.
Variant type: single nucleotide variant.
Coding change: c.104G>A on transcript NM_001199138.2 (MANE Select); coding-DNA position 104, G replaced by A.
Protein change: p.Arg35His; replaces arginine 35 with histidine.
Molecular consequence: missense variant.
Genome position (GRCh38, 1-based): chr2:32,252,577, C>T on the plus strand (G>A on the coding strand, the complement: NLRC4 is on the minus strand). VCF-style: chr2-32252577-C-T. GRCh37 (hg19) VCF-style: chr2-32477646-C-T.
Other names: c.104G>A, p.Arg35His (NM_001199139.2, NM_001302504.2, NM_021209.5); short protein forms R35H.
Identifiers: ClinVar variation 579967 (VCV000579967.13), dbSNP rs755228287, ClinGen allele CA1602221.

ClinVar aggregate classification (germline): Conflicting classifications of pathogenicity. Review status: criteria provided, conflicting classifications (1 of 4 stars). 4 submissions from 4 submitters: Uncertain significance (3); Likely benign (1). Last evaluated 2025-11-12.

Conditions:
Inborn genetic diseases. Identifiers: MedGen C0950123, MeSH D030342.
Periodic fever-infantile enterocolitis-autoinflammatory syndrome. Also called: Autoinflammation with infantile enterocolitis. Identifiers: Orphanet 436166, MedGen C4015067, MONDO:0014472, OMIM 616050.
Familial cold autoinflammatory syndrome 4 (FCAS4). Identifiers: Orphanet 47045, Orphanet 576349, MedGen C4015276, MONDO:0014498, OMIM 616115.

Allele frequency attached by ClinVar (database versions not stated): TOPMed below 0.00001; ExAC 0.00001; gnomAD exomes 0.00002 and 0.00003.
gnomAD v4.1: 41 of 1,614,154 alleles (0.0025%); highest among the groups gnomAD compares: Non-Finnish European, 0.0032%; no homozygotes.

Submissions (4):

Ambry Genetics
Classification: Uncertain significance for Inborn genetic diseases. Last evaluated: 2025-11-12. Review status: criteria provided, single submitter. Criteria: Ambry Variant Classification Scheme 2023. Collection method: clinical testing. Allele origin: germline.

Labcorp Genetics (formerly Invitae), Labcorp
Classification: Uncertain significance for Periodic fever-infantile enterocolitis-autoinflammatory syndrome; Familial cold autoinflammatory syndrome 4. Last evaluated: 2025-07-21. Review status: criteria provided, single submitter. Criteria: Invitae Variant Classification Sherloc (09022015). Collection method: clinical testing. Allele origin: germline.
Comment: This sequence change replaces arginine, which is basic and polar, with histidine, which is basic and polar, at codon 35 of the NLRC4 protein (p.Arg35His). This variant is present in population databases (rs755228287, gnomAD 0.006%). This variant has not been reported in the literature in individuals affected with NLRC4-related conditions. ClinVar contains an entry for this variant (Variation ID: 579967). An algorithm developed to predict the effect of missense changes on protein structure and function outputs the following: PolyPhen-2: "Benign". The histidine amino acid residue is found in multiple mammalian species, which suggests that this missense change does not adversely affect protein function. In summary, the available evidence is currently insufficient to determine the role of this variant in disease. Therefore, it has been classified as a Variant of Uncertain Significance.

Women's Health and Genetics/Laboratory Corporation of America, LabCorp
Classification: Uncertain significance. Last evaluated: 2023-07-18. Review status: criteria provided, single submitter. Criteria: LabCorp Variant Classification Summary - May 2015. Collection method: clinical testing. Allele origin: germline.
Comment: Variant summary: NLRC4 c.104G>A (p.Arg35His) results in a non-conservative amino acid change located in the CARD Domain (IPR001315) of the encoded protein sequence. Four of five in-silico tools predict a benign effect of the variant on protein function. The variant allele was found at a frequency of 1.6e-05 in 251462 control chromosomes (gnomAD). The available data on variant occurrences in the general population are insufficient to allow any conclusion about variant significance. To our knowledge, no occurrence of c.104G>A in individuals affected with NLRC4-Related Disorders and no experimental evidence demonstrating its impact on protein function have been reported. One submitter has cited clinical-significance assessments for this variant to ClinVar after 2014 and has classified the variant as uncertain significance. Based on the evidence outlined above, the variant was classified as uncertain significance.

Blueprint Genetics
Classification: Likely benign. Last evaluated: 2021-10-15. Review status: criteria provided, single submitter. Criteria: ACMG Guidelines, 2015. Collection method: clinical testing. Allele origin: germline.